The following is an entry in ClinVar:

NM_000051.4(ATM):c.1990A>G (p.Thr664Ala)

Gene: ATM (ATM serine/threonine kinase; plus strand). Cytogenetic location: 11q22.3.
Variant type: single nucleotide variant.
Coding change: c.1990A>G on transcript NM_000051.4 (MANE Select); coding-DNA position 1990, A replaced by G.
Protein change: p.Thr664Ala; replaces threonine 664 with alanine.
Molecular consequence: missense variant.
Genome position (GRCh38, 1-based): chr11:108,253,905, A>G. VCF-style: chr11-108253905-A-G. GRCh37 (hg19) VCF-style: chr11-108124632-A-G.
Other names: c.1990A>G, p.Thr664Ala (NM_001351834.2); short protein forms T664A.
Identifiers: ClinVar variation 210372 (VCV000210372.9), dbSNP rs797045319, ClinGen allele CA209570.

ClinVar aggregate classification (germline): Uncertain significance. Review status: criteria provided, multiple submitters, no conflicts (2 of 4 stars). 3 submissions from 3 submitters: Uncertain significance (3). Last evaluated 2023-12-09.

Conditions:
Hereditary cancer-predisposing syndrome. Also called: Tumor predisposition; Hereditary neoplastic syndrome; Neoplastic Syndromes, Hereditary; Hereditary Cancer Syndrome. Identifiers: Orphanet 140162, MedGen C0027672, MeSH D009386, MONDO:0015356.

Submissions (3):

GeneDx
Classification: Uncertain significance. Last evaluated: 2023-12-09. Review status: criteria provided, single submitter. Criteria: GeneDx Variant Classification Process June 2021. Collection method: clinical testing. Allele origin: germline. Affected: yes.
Comment: Not observed at significant frequency in large population cohorts (gnomAD); In silico analysis supports that this missense variant does not alter protein structure/function; Has not been previously published as pathogenic or benign to our knowledge

Ambry Genetics
Classification: Uncertain significance for Hereditary cancer-predisposing syndrome. Last evaluated: 2022-11-04. Review status: criteria provided, single submitter. Criteria: Ambry Variant Classification Scheme 2023. Collection method: clinical testing. Allele origin: germline.
Comment: The p.T664A variant (also known as c.1990A>G), located in coding exon 12 of the ATM gene, results from an A to G substitution at nucleotide position 1990. The threonine at codon 664 is replaced by alanine, an amino acid with similar properties. This amino acid position is conserved. In addition, this alteration is predicted to be tolerated by in silico analysis. Since supporting evidence is limited at this time, the clinical significance of this alteration remains unclear.

Genetic Services Laboratory, University of Chicago
Classification: Uncertain significance. Last evaluated: 2014-06-10. Review status: criteria provided, single submitter. Criteria: ACMG Guidelines, 2015. Collection method: clinical testing. Allele origin: germline.